The following is an entry in ClinVar:

ClinVar aggregate classification (germline): Likely benign. Review status: criteria provided, single submitter (1 of 4 stars). 2 submissions from 2 submitters: Likely benign (1). 1 of the submissions does not count toward it. Last evaluated 2025-03-01.

Conditions:
SETD1A-related disorder. Also called: SETD1A-related condition.

Allele frequency attached by ClinVar (database versions not stated): gnomAD exomes 0.00008; 1000 Genomes Project 30x 0.00047; gnomAD 0.00103; TOPMed 0.00110.
gnomAD v4.1: 263 of 1,534,154 alleles (0.017%); highest among the groups gnomAD compares: African/African-American, 0.35%; 1 homozygote.

Submissions (2):

CeGaT Center for Human Genetics Tuebingen
Classification: Likely benign. Last evaluated: 2025-03-01. Review status: criteria provided, single submitter. Criteria: CeGaT Center For Human Genetics Tuebingen Variant Classification Criteria Version 2. Collection method: clinical testing. Allele origin: germline. Affected: yes. Observed: 2 variant alleles.
Comment: SETD1A: BP4, BP7

PreventionGenetics, part of Exact Sciences
Classification: Likely benign for SETD1A-related condition. Last evaluated: 2019-04-26. Review status: no assertion criteria provided. Collection method: clinical testing. Allele origin: germline. Not counted in ClinVar's aggregate classification.
Comment: This variant is classified as likely benign based on ACMG/AMP sequence variant interpretation guidelines (Richards et al. 2015 PMID: 25741868, with internal and published modifications).

NM_014712.3(SETD1A):c.4152T>C (p.Asp1384=)

Gene: SETD1A (SET domain containing 1A, histone lysine methyltransferase; plus strand). Cytogenetic location: 16p11.2.
Variant type: single nucleotide variant.
Coding change: c.4152T>C on transcript NM_014712.3 (MANE Select); coding-DNA position 4152, T replaced by C.
Protein change: p.Asp1384=; no amino-acid change (aspartic acid 1384 retained).
Molecular consequence: synonymous variant.
Genome position (GRCh38, 1-based): chr16:30,979,938, T>C. VCF-style: chr16-30979938-T-C. GRCh37 (hg19) VCF-style: chr16-30991259-T-C.
Other names: c.4152T>C (NM_014712.2).
Identifiers: ClinVar variation 2646454 (VCV002646454.25), dbSNP rs888492831, ClinGen allele CA280553202.